The following continues an entry in ClinVar:

NM_000402.4(G6PD):c.221C>G (p.Ala74Gly)

Gene: G6PD. ClinVar aggregate classification (germline): Pathogenic/Likely pathogenic. Pathogenic (13); Likely pathogenic (2).

Submissions 10 to 17 of 17:

Illumina Laboratory Services, Illumina
Classification: Pathogenic for G6PD deficiency. Last evaluated: 2023-05-03. Review status: criteria provided, single submitter. Criteria: ICSLVariantClassificationCriteria RUGD 01 April 2020. Collection method: clinical testing. Allele origin: unknown.
Comment: The G6PD c.221C>G (p.Ala74Gly) missense variant, also known as c.131C>G (p.Ala44Gly) or the G6PD Orissa allele, has been commonly reported in individuals with glucose-6-phosphate dehydrogenase deficiency with South Asian ancestry, including in a hemizygous and homozygous state (PMID: 27880809; 8533762; 32425388). Enzyme activity in individuals with this variant is typically 5%-20% of normal. The highest frequency of this allele in the Genome Aggregation Database is 0.004917 in the South Asian population, which includes eight hemizygotes (version 3.1.2). This frequency is consistent with disease prevalence estimates. Functional studies of purified enzyme have demonstrated that this variant causes an increase in Km for NADP+, which results in a reduced G6PD enzyme activity level (PMID: 8533762). This variant has been classified as pathogenic by at least three submitters in ClinVar. Based on the available evidence, the c.221C>G (p.Ala74Gly) variant is classified as pathogenic for glucose-6-phosphate dehydrogenase deficiency.

CeGaT Center for Human Genetics Tuebingen
Classification: Pathogenic. Last evaluated: 2023-05-01. Review status: criteria provided, single submitter. Criteria: CeGaT Center For Human Genetics Tuebingen Variant Classification Criteria Version 2. Collection method: clinical testing. Allele origin: germline. Affected: yes. Observed: 1 variant allele.
Comment: G6PD: PM1:Strong, PM5, PS3:Moderate, PS4:Moderate

Dunham Lab, University of Washington
Classification: Pathogenic for Anemia, nonspherocytic hemolytic, due to G6PD deficiency. Last evaluated: 2022-08-12. Review status: criteria provided, single submitter. Criteria: Bayesian ACMG Guidelines, 2018. Collection method: curation. Allele origin: maternal. Affected: yes.
Comment: Variant found in unrelated hemizygotes with deficiency, some with anemia and jaundice (PP4, PS4_M). In one family, hemiygote and heterozygous mother both have decreased G6PD activity (PP1). Decreased activity in red blood cells (5-33%) (PS3). In GxxGDLA NADP binding site (PM1). Predicted to be damaging by SIFT and MutationTaster, and probably damaging by PolyPhen (PP3). Below expected carrier frequency in gnomAD (PM2). Post_P 0.999 (odds of pathogenicity 13661, Prior_P 0.1).

Mendelics
Classification: Pathogenic for Anemia, nonspherocytic hemolytic, due to G6PD deficiency. Last evaluated: 2022-05-27. Review status: criteria provided, single submitter. Criteria: Mendelics Assertion Criteria 2017. Collection method: clinical testing. Allele origin: unknown.

Lifecell International Pvt. Ltd
Classification: Pathogenic for Anemia, nonspherocytic hemolytic, due to G6PD deficiency. Review status: criteria provided, single submitter. Criteria: ACMG Guidelines, 2015. Collection method: clinical testing. Allele origin: germline. Inheritance: X-linked recessive inheritance. Affected: yes.
Comment: This variant in exon 3 of the G6PD gene results in the amino acid substitution from Alanine to Glycine at codon 74 (p.Ala74Gly) with the sequence change of c.221C>G (NM_000402.4). The reference base is conserved across the species and in-silico predictions by SIFT and MutationTaster are damaging. The Missense Variants Z-Score for this variant is 2.60. Missense Variants Z-Score is produced by the Exome Aggregation Consortium (60,706 adult humans) by computing a signed Z score for the deviation of observed counts from the expected number. Positive Z scores indicate increased constraint (intolerance to variation) and therefore that the gene had fewer missense variants than expected. The G6PD c.221C>G; p.Ala74Gly variant, also referred to as c.131C>G; p.Ala44Gly, commonly known as G6PD Orissa, has been described in literatures as a Class III variant, associated with moderate enzyme deficiency (Arunachalam et al., 2020; PMID: 32425388, Minucci et al., 2010; PMID: 20621077). This variant has previously been reported for glucose-6-phosphate dehydrogenase deficiency and is most frequent in Indian tribal population (Kaeda et al., 1995; PMID:8533762, Sukumar et al., 2004; PMID:15315792, Lin et al., 2016; PMID:26829728, Sarker et al., 2016; PMID:27880809). Experimental studies have shown that this missense change reduces G6PD enzymatic activity in vitro (Kaeda et al., 1995; PMID:8533762).

Neuberg Centre For Genomic Medicine, NCGM
Classification: Pathogenic for Anemia, nonspherocytic hemolytic, due to G6PD deficiency. Review status: criteria provided, single submitter. Criteria: ACMG Guidelines, 2015. Collection method: clinical testing. Allele origin: germline. Inheritance: X-linked inheritance. Affected: yes.
Comment: The missense c.221C>G (p.Ala74Gly) variant in G6PD gene has been reported in heterozygous state in individuals affected with hemolytic anemia. This variant has been reported to be a common cause of the glucose-6-phosphate dehydrogenase in South Asia, although it has also been reported in other populations (Sukumar et al., 2004). Experimental studies have shown that this missense change reduces G6PD enzymatic activity in vitro (Kaeda et al., 1995). This variant is reported with the allele frequency 0.01% in the gnomAD and 0.02% in 1000 genome database. It has been submitted to ClinVar with varying interpretations: Pathogenic / Uncertain Significance. The amino acid Ala at position 74 is changed to a Gly changing protein sequence and it might alter its composition and physico-chemical properties. The variant is predicted to be damaging by both SIFT and PolyPhen2. The residue is conserved across species. The amino acid change p.Ala74Gly in G6PD is predicted as conserved by GERP++ and PhyloP across 100 vertebrates. For these reasons, this variant has been classified as Pathogenic.

Genetics and Genomic Medicine Centre, NeuroGen Healthcare, NeuroGen Healthcare
Classification: Likely pathogenic. Last evaluated: 2021-06-24. Review status: no assertion criteria provided. Collection method: clinical testing. Allele origin: unknown. Affected: yes. Not counted in ClinVar's aggregate classification.

OMIM
Classification: other for G6PD ORISSA. Last evaluated: 2013-04-18. Review status: no assertion criteria provided. Collection method: literature only. Allele origin: germline. Not counted in ClinVar's aggregate classification.

Literature cited by the submitters: PubMed 10192449 (cited by Labcorp Genetics (formerly Invitae), Labcorp); PubMed 17524386 (cited by Labcorp Genetics (formerly Invitae), Labcorp and Variantyx, Inc.); PubMed 8533762 (cited by 5 submitters); PubMed 15315792 (cited by Labcorp Genetics (formerly Invitae), Labcorp and Dunham Lab, University of Washington); PubMed 20621077 (cited by 3 submitters); PubMed 22906047 (cited by 3 submitters); PubMed 26829728 (cited by Labcorp Genetics (formerly Invitae), Labcorp); PubMed 27880809 (cited by 5 submitters); PubMed 30097005 (cited by Variantyx, Inc.); PubMed 12215013 (cited by Variantyx, Inc.); PubMed 34620237 (cited by Variantyx, Inc. and Dunham Lab, University of Washington); PubMed 32906206 (cited by Women's Health and Genetics/Laboratory Corporation of America, LabCorp); PubMed 18568599 (cited by Women's Health and Genetics/Laboratory Corporation of America, LabCorp and Dunham Lab, University of Washington); PubMed 32425388 (cited by Illumina Laboratory Services, Illumina and Dunham Lab, University of Washington); PubMed 21507207 (cited by Dunham Lab, University of Washington); PubMed 31863082 (cited by Dunham Lab, University of Washington); PubMed 12497642 (cited by Dunham Lab, University of Washington); PubMed 853376 (cited by Dunham Lab, University of Washington); PubMed 30077011 (cited by Dunham Lab, University of Washington); PubMed 22293322 (cited by Dunham Lab, University of Washington); PubMed 10916676 (cited by Dunham Lab, University of Washington); PubMed 2255919 (cited by OMIM).